The following is an entry in ClinVar:

NM_152564.5(VPS13B):c.10103A>G (p.Gln3368Arg)

Gene: VPS13B (vacuolar protein sorting 13 homolog B; plus strand). Cytogenetic location: 8q22.2.
Variant type: single nucleotide variant.
Coding change: c.10103A>G on transcript NM_152564.5 (MANE Select); coding-DNA position 10103, A replaced by G.
Protein change: p.Gln3368Arg; replaces glutamine 3368 with arginine.
Molecular consequence: missense variant.
Genome position (GRCh38, 1-based): chr8:99,853,492, A>G. VCF-style: chr8-99853492-A-G. GRCh37 (hg19) VCF-style: chr8-100865720-A-G.
Other names: c.10178A>G, p.Gln3393Arg (NM_017890.5); c.10178A>G (NM_017890.3); c.10103A>G (NM_152564.4); short protein forms Q3393R, Q3368R.
Identifiers: ClinVar variation 946992 (VCV000946992.10), dbSNP rs377348581, ClinGen allele CA4824887.
Genomic context (GRCh38, chr8:99,853,492, plus strand): 5'-TTGTCCCTTTCTCCTCTAGAGCGCCAGAGAAGATTGTTACATTTAAAATGTTCATCACTC[A>G]GTTAAGCCTGGCAGTGTTTGATGACCTCACCCACCACAAAGCATCAGCTGAGCTTCTGAG-3'
Protein context (NP_689777.3, residues 3358-3378): KIVTFKMFIT[Gln3368Arg]LSLAVFDDLT

ClinVar aggregate classification (germline): Conflicting classifications of pathogenicity. Review status: criteria provided, conflicting classifications (1 of 4 stars). 6 submissions from 6 submitters: Uncertain significance (4); Likely benign (1). 1 of the submissions does not count toward it. Last evaluated 2025-03-15.

Conditions:
Cohen syndrome (COH1). Also called: PEPPER SYNDROME; Cutis verticis gyrata, retinitis pigmentosa, and sensorineural deafness. Identifiers: Orphanet 193, MedGen C0265223, MONDO:0008999, OMIM 216550.
VPS13B-related disorder. Also called: VPS13B-related condition.
Inborn genetic diseases. Identifiers: MedGen C0950123, MeSH D030342.
Intellectual disability. Also called: Intellectual functioning disability; Intellectual developmental disorder; intellectual disabilities. Identifiers: MedGen C3714756, MeSH D008607, MONDO:0001071, HP:0001249.

Allele frequency attached by ClinVar (database versions not stated): gnomAD 0.00001; ExAC 0.00002; ESP Exome Variant Server 0.00008; gnomAD exomes 0.00001; TOPMed 0.00002.
gnomAD v4.1: 20 of 1,614,096 alleles (0.0012%); highest among the groups gnomAD compares: Non-Finnish European, 0.0017%; no homozygotes.

Submissions (6):

Ambry Genetics
Classification: Uncertain significance for Inborn genetic diseases. Last evaluated: 2025-03-15. Review status: criteria provided, single submitter. Criteria: Ambry Variant Classification Scheme 2023. Collection method: clinical testing. Allele origin: germline.

GeneDx
Classification: Uncertain significance. Last evaluated: 2024-05-01. Review status: criteria provided, single submitter. Criteria: GeneDx Variant Classification Process June 2021. Collection method: clinical testing. Allele origin: germline. Affected: yes.
Comment: Not observed at significant frequency in large population cohorts (gnomAD); In silico analysis indicates that this missense variant does not alter protein structure/function; Has not been previously published as pathogenic or benign to our knowledge

PreventionGenetics, part of Exact Sciences
Classification: Uncertain significance for VPS13B-related condition. Last evaluated: 2022-12-22. Review status: criteria provided, single submitter. Criteria: ACMG Guidelines, 2015. Collection method: clinical testing. Allele origin: germline.
Comment: The VPS13B c.10103A>G variant is predicted to result in the amino acid substitution p.Gln3368Arg. To our knowledge, this variant has not been reported in the literature. This variant is reported in 0.0026% of alleles in individuals of European (Non-Finnish) descent in gnomAD. At this time, the clinical significance of this variant is uncertain due to the absence of conclusive functional and genetic evidence.

Labcorp Genetics (formerly Invitae), Labcorp
Classification: Uncertain significance for Cohen syndrome. Last evaluated: 2022-09-07. Review status: criteria provided, single submitter. Criteria: Invitae Variant Classification Sherloc (09022015). Collection method: clinical testing. Allele origin: germline.
Comment: This sequence change replaces glutamine, which is neutral and polar, with arginine, which is basic and polar, at codon 3393 of the VPS13B protein (p.Gln3393Arg). This variant is present in population databases (rs377348581, gnomAD 0.003%). This variant has not been reported in the literature in individuals affected with VPS13B-related conditions. ClinVar contains an entry for this variant (Variation ID: 946992). Algorithms developed to predict the effect of missense changes on protein structure and function output the following: SIFT: "Not Available"; PolyPhen-2: "Benign"; Align-GVGD: "Not Available". The arginine amino acid residue is found in multiple mammalian species, which suggests that this missense change does not adversely affect protein function. In summary, the available evidence is currently insufficient to determine the role of this variant in disease. Therefore, it has been classified as a Variant of Uncertain Significance.

Cambridge Genomics Laboratory, East Genomic Laboratory Hub, NHS Genomic Medicine Service
Classification: Likely benign for Intellectual disability. Last evaluated: 2019-10-17. Review status: criteria provided, single submitter. Criteria: ACGS Best Practice Guidelines for Variant Classification in Rare Disease 2020. Collection method: clinical testing. Allele origin: germline. Affected: yes. Observed: 1 variant allele.

Natera, Inc.
Classification: Uncertain significance for Cohen syndrome. Last evaluated: 2021-05-25. Review status: no assertion criteria provided. Collection method: clinical testing. Allele origin: germline. Not counted in ClinVar's aggregate classification.